The following is an entry in ClinVar:

ClinVar aggregate classification (germline): Pathogenic (1 of 4 stars; one submission).

Conditions:
Inborn genetic diseases. Identifiers: MedGen C0950123, MeSH D030342.

Submission:

Ambry Genetics
Classification: Pathogenic for Inborn genetic diseases. Last evaluated: 2017-01-11. Review status: criteria provided, single submitter. Criteria: Ambry Variant Classification Scheme 2023. Collection method: clinical testing. Allele origin: germline.
Comment: The p.C1046* pathogenic mutation (also known as c.3138T>A), located in coding exon 7 of the ANKRD11 gene, results from a T to A substitution at nucleotide position 3138. This changes the amino acid from a cysteine to a stop codon within coding exon 7. This alteration is expected to result in loss of function by premature protein truncation or nonsense-mediated mRNA decay. As such, this alteration is interpreted as a disease-causing mutation.

NM_013275.6(ANKRD11):c.3138T>A (p.Cys1046Ter)

Gene: ANKRD11 (ankyrin repeat domain containing 11; minus strand). Cytogenetic location: 16q24.3.
Variant type: single nucleotide variant.
Coding change: c.3138T>A on transcript NM_013275.6 (MANE Select); coding-DNA position 3138, T replaced by A.
Protein change: p.Cys1046Ter; replaces cysteine 1046 with a stop codon.
Molecular consequence: nonsense.
Genome position (GRCh38, 1-based): chr16:89,283,404, A>T on the plus strand (T>A on the coding strand, the complement: ANKRD11 is on the minus strand). VCF-style: chr16-89283404-A-T. GRCh37 (hg19) VCF-style: chr16-89349812-A-T.
Other names: c.3138T>A, p.Cys1046Ter (NM_001256182.2, NM_001256183.2); short protein forms C1046*.
Identifiers: ClinVar variation 589485 (VCV000589485.5), dbSNP rs1567574466, ClinGen allele CA397160508.
Genomic context (GRCh38, chr16:89,283,404, plus strand): 5'-ATGTTTTTCCTTGGTATCTTTTTTCTCTTTAAAACATTTATCAAATTCTTTGTCCTTCTG[A>T]CATTTTTCCAGGATTGATTTCTCACTTTTGTCCTTGTCACTGGATTTCTCTTTGTATCTT-3'